The following is an entry in ClinVar:

NM_005359.6(SMAD4):c.540A>C (p.Gln180His)

Gene: SMAD4 (SMAD family member 4; plus strand). Cytogenetic location: 18q21.2.
Variant type: single nucleotide variant.
Coding change: c.540A>C on transcript NM_005359.6 (MANE Select); coding-DNA position 540, A replaced by C.
Protein change: p.Gln180His; replaces glutamine 180 with histidine.
Molecular consequence: missense variant.
Genome position (GRCh38, 1-based): chr18:51,054,866, A>C. VCF-style: chr18-51054866-A-C. GRCh37 (hg19) VCF-style: chr18-48581236-A-C.
Other names: short protein forms Q180H.
Identifiers: ClinVar variation 1046417 (VCV001046417.8), dbSNP rs1203141844, ClinGen allele CA402460884.

ClinVar aggregate classification (germline): Uncertain significance (1 of 4 stars; one submission).

Conditions:
Juvenile polyposis syndrome (JPS). Identifiers: Orphanet 2929, MedGen C0345893, MONDO:0017380, OMIM 174900.

Allele frequency attached by ClinVar (database versions not stated): gnomAD exomes below 0.00001.
gnomAD v4.1: 1 of 1,614,128 alleles (0.000062%); highest among the groups gnomAD compares: Non-Finnish European, 0.000085%; no homozygotes.

Submission:

Labcorp Genetics (formerly Invitae), Labcorp
Classification: Uncertain significance for Juvenile polyposis syndrome. Last evaluated: 2024-03-15. Review status: criteria provided, single submitter. Criteria: Invitae Variant Classification Sherloc (09022015). Collection method: clinical testing. Allele origin: germline.
Comment: This sequence change replaces glutamine, which is neutral and polar, with histidine, which is basic and polar, at codon 180 of the SMAD4 protein (p.Gln180His). This variant is not present in population databases (gnomAD no frequency). This variant has not been reported in the literature in individuals affected with SMAD4-related conditions. ClinVar contains an entry for this variant (Variation ID: 1046417). Advanced modeling of protein sequence and biophysical properties (such as structural, functional, and spatial information, amino acid conservation, physicochemical variation, residue mobility, and thermodynamic stability) has been performed at Invitae for this missense variant, however the output from this modeling did not meet the statistical confidence thresholds required to predict the impact of this variant on SMAD4 protein function. In summary, the available evidence is currently insufficient to determine the role of this variant in disease. Therefore, it has been classified as a Variant of Uncertain Significance.